The following is an entry in ClinVar:

NM_000127.3(EXT1):c.1567del (p.Leu523fs)

Gene: EXT1 (exostosin glycosyltransferase 1; minus strand). Cytogenetic location: 8q24.11.
Variant type: Deletion.
Coding change: c.1567del on transcript NM_000127.3 (MANE Select); coding-DNA position 1567, one base deleted (C; older notation c.1567delC).
Protein change: p.Leu523fs; shifts the reading frame from leucine 523.
Molecular consequence: frameshift variant.
Genome position (GRCh38, 1-based): chr8:117,818,500, G deleted on the plus strand (C on the coding strand, the reverse complement: EXT1 is on the minus strand); the first of 4 consecutive G bases (chr8:117,818,500-117,818,503); deleting any one gives the same sequence. VCF-style (leftmost placement, unchanged base first): chr8-117818499-AG-A. GRCh37 (hg19) VCF-style: chr8-118830738-AG-A.
Other names: short protein forms L523fs.
Identifiers: ClinVar variation 852696 (VCV000852696.9), dbSNP rs1811864784, ClinGen allele CA916081519.

ClinVar aggregate classification (germline): Pathogenic (1 of 4 stars; one submission).

Conditions:
Multiple congenital exostosis (EXT). Also called: MULTIPLE CARTILAGINOUS EXOSTOSES; Hereditary multiple exostoses; Hereditary multiple exostosis; Multiple osteochondromas; Hereditary multiple osteochondromas; Multiple exostoses. Identifiers: Orphanet 321, MedGen C0015306, MONDO:0005508, HP:0002762.

Submission:

Labcorp Genetics (formerly Invitae), Labcorp
Classification: Pathogenic for Multiple congenital exostosis. Last evaluated: 2019-04-17. Review status: criteria provided, single submitter. Criteria: Invitae Variant Classification Sherloc (09022015). Collection method: clinical testing. Allele origin: germline.
Comment: This variant is not present in population databases (ExAC no frequency). For these reasons, this variant has been classified as Pathogenic. Loss-of-function variants in EXT1 are known to be pathogenic (PMID: 10679937, 11391482, 19810120). This variant has been observed in individuals affected with hereditary multiple exostoses (PMID: 30334991, 20025490). This sequence change creates a premature translational stop signal (p.Leu523Tyrfs*24) in the EXT1 gene. It is expected to result in an absent or disrupted protein product.

Literature cited by the submitters: PubMed 10679937; PubMed 11391482; PubMed 19810120; PubMed 30334991; PubMed 20025490.